The following is an entry in ClinVar:

NC_000002.11:g.(?_58386900)_(58393029_?)dup

Genes: FANCL (FA complementation group L; minus strand), VRK2 (VRK serine/threonine kinase 2; plus strand). Cytogenetic location: 2p16.1.
Variant type: Duplication.
Identifiers: ClinVar variation 2426433 (VCV002426433.3).

ClinVar aggregate classification (germline): Uncertain significance (1 of 4 stars; one submission).

Conditions:
Fanconi anemia (FA). Also called: Fanconi's anemia. Identifiers: Orphanet 84, MedGen C0015625, MeSH D005199, MONDO:0019391.

Submission:

Labcorp Genetics (formerly Invitae), Labcorp
Classification: Uncertain significance for Fanconi anemia. Last evaluated: 2022-08-21. Review status: criteria provided, single submitter. Criteria: Invitae Variant Classification Sherloc (09022015). Collection method: clinical testing. Allele origin: germline.
Comment: This variant is a gross deletion of the genomic region encompassing exon(s) 8-14 of the FANCL gene, which includes the termination codon. This deletion extends beyond the assayed region for this gene and therefore may encompass additional genes. While this deletion is not anticipated to lead to nonsense mediated decay, it is expected to alter mRNA translation or result in a truncated protein product. This variant has not been reported in the literature in individuals affected with FANCL-related conditions. Experimental studies and prediction algorithms are not available or were not evaluated, and the functional significance of this variant is currently unknown. In summary, the available evidence is currently insufficient to determine the role of this variant in disease. Therefore, it has been classified as a Variant of Uncertain Significance.